The following is an entry in ClinVar:

ClinVar aggregate classification (germline): Pathogenic (1 of 4 stars; one submission).

Conditions:
Familial renal glucosuria (GLYS). Also called: RENAL GLUCOSURIA, AUTOSOMAL DOMINANT; Familial renal glycosuria. Identifiers: Orphanet 69076, MedGen C3245525, MONDO:0009297, OMIM 233100.

Submission:

Victorian Clinical Genetics Services, Murdoch Childrens Research Institute
Classification: Pathogenic for Familial renal glucosuria. Last evaluated: 2025-11-20. Review status: criteria provided, single submitter. Criteria: ACMG Guidelines, 2015. Collection method: clinical testing. Allele origin: germline. Affected: yes.
Comment: This variant is classified as Pathogenic. Evidence in support of pathogenic classification: Variant is predicted to cause nonsense-mediated decay (NMD) and loss of protein (premature termination codon is located at least 54 nucleotides upstream of the final exon-exon junction); Variant is absent from gnomAD (v2, v3 and v4); Other NMD-predicted variant(s) comparable to the one identified in this case have very strong previous evidence for pathogenicity (DECIPHER). Additional information: This variant is heterozygous; This gene is associated with both recessive and dominant disease. Variants in this gene have been reported to cause both dominant and recessive disease, with recessive disease being more severe and with earlier onset (OMIM, PMID: 22314875, 28365451, 24908283); Loss of function is a known mechanism of disease in this gene and is associated with renal glucosuria (MIM#233100); Parental origin of the variant is unresolved.

Literature cited by the submitters: PubMed 22314875; PubMed 24908283; PubMed 28365451.

NM_003041.4(SLC5A2):c.617dup (p.Val207fs)

Gene: SLC5A2 (solute carrier family 5 member 2; plus strand). Cytogenetic location: 16p11.2.
Variant type: Duplication.
Coding change: c.617dup on transcript NM_003041.4 (MANE Select); coding-DNA position 617, one base duplicated (T; older notation c.617dupT).
Protein change: p.Val207fs; shifts the reading frame from valine 207.
Molecular consequence: frameshift variant. On other transcripts: non-coding transcript variant (1).
Genome position (GRCh38, 1-based): chr16:31,487,362, T duplicated; the last of 2 consecutive T bases (chr16:31,487,361-31,487,362); duplicating either gives the same sequence. VCF-style (leftmost placement, unchanged base first): chr16-31487360-C-CT. GRCh37 (hg19) VCF-style: chr16-31498681-C-CT.
Other names: short protein forms V207fs.
Identifiers: ClinVar variation 4818944 (VCV004818944.1).